The following is an entry in ClinVar:

ClinVar aggregate classification (germline): Benign (1 of 4 stars; one submission).

Conditions:
Holoprosencephaly 11 (HPE11). Identifiers: Orphanet 2162, MedGen C3280215, MONDO:0013642, OMIM 614226.

Allele frequency attached by ClinVar (database versions not stated): gnomAD 0.00045 and 0.00044; TOPMed 0.00045; 1000 Genomes Project 30x 0.00078; 1000 Genomes Project 0.00060.

Submission:

Illumina Laboratory Services, Illumina
Classification: Benign for Holoprosencephaly 11. Last evaluated: 2018-01-12. Review status: criteria provided, single submitter. Criteria: ICSL Variant Classification Criteria 13 December 2019. Collection method: clinical testing. Allele origin: germline.
Comment: This variant was observed in the ICSL laboratory as part of a predisposition screen in an ostensibly healthy population. It had not been previously curated by ICSL or reported in the Human Gene Mutation Database (HGMD: prior to June 1st, 2018), and was therefore a candidate for classification through an automated scoring system. Utilizing variant allele frequency, disease prevalence and penetrance estimates, and inheritance mode, an automated score was calculated to assess if this variant is too frequent to cause the disease. Based on the score and internal cut-off values, a variant classified as benign is not then subjected to further curation. The score for this variant resulted in a classification of benign for this disease.

NM_001378964.1(CDON):c.*864G>A

Gene: CDON (cell adhesion associated, oncogene regulated; minus strand). Cytogenetic location: 11q24.2.
Variant type: single nucleotide variant.
Coding change: c.*864G>A on transcript NM_001378964.1 (MANE Select); 864 bases downstream of the stop codon, G replaced by A.
Molecular consequence: 3 prime UTR variant.
Genome position (GRCh38, 1-based): chr11:125,960,078, C>T on the plus strand (G>A on the coding strand, the complement: CDON is on the minus strand). VCF-style: chr11-125960078-C-T. GRCh37 (hg19) VCF-style: chr11-125829973-C-T.
Other names: c.*864G>A (NM_001243597.3, NM_016952.6).
Identifiers: ClinVar variation 303478 (VCV000303478.5), dbSNP rs144806373, ClinGen allele CA10637806.